The following is an entry in ClinVar:

ClinVar aggregate classification (germline): Uncertain significance. Review status: criteria provided, multiple submitters, no conflicts (2 of 4 stars). 3 submissions from 3 submitters: Uncertain significance (3). Last evaluated 2024-02-28.

Conditions:
Fanconi anemia (FA). Also called: Fanconi's anemia. Identifiers: Orphanet 84, MedGen C0015625, MeSH D005199, MONDO:0019391.
Intellectual disability. Also called: Intellectual functioning disability; Intellectual developmental disorder; intellectual disabilities. Identifiers: MedGen C3714756, MeSH D008607, MONDO:0001071, HP:0001249.
Inborn genetic diseases. Identifiers: MedGen C0950123, MeSH D030342.

Allele frequency attached by ClinVar (database versions not stated): TOPMed below 0.00001; gnomAD exomes 0.00004 and 0.00001.
gnomAD v4.1: 63 of 1,614,162 alleles (0.0039%); highest among the groups gnomAD compares: Non-Finnish European, 0.0053%; no homozygotes.

Submissions (3):

Ambry Genetics
Classification: Uncertain significance for Inborn genetic diseases. Last evaluated: 2024-02-28. Review status: criteria provided, single submitter. Criteria: Ambry Variant Classification Scheme 2023. Collection method: clinical testing. Allele origin: germline.

Labcorp Genetics (formerly Invitae), Labcorp
Classification: Uncertain significance for Fanconi anemia. Last evaluated: 2022-07-19. Review status: criteria provided, single submitter. Criteria: Invitae Variant Classification Sherloc (09022015). Collection method: clinical testing. Allele origin: germline.
Comment: This sequence change replaces proline, which is neutral and non-polar, with arginine, which is basic and polar, at codon 1564 of the SLX4 protein (p.Pro1564Arg). This variant is present in population databases (no rsID available, gnomAD 0.0009%). This variant has not been reported in the literature in individuals affected with SLX4-related conditions. ClinVar contains an entry for this variant (Variation ID: 1502358). Algorithms developed to predict the effect of missense changes on protein structure and function (SIFT, PolyPhen-2, Align-GVGD) all suggest that this variant is likely to be disruptive. In summary, the available evidence is currently insufficient to determine the role of this variant in disease. Therefore, it has been classified as a Variant of Uncertain Significance.

Cambridge Genomics Laboratory, East Genomic Laboratory Hub, NHS Genomic Medicine Service
Classification: Uncertain significance for Intellectual disability. Last evaluated: 2020-07-13. Review status: criteria provided, single submitter. Criteria: ACGS Best Practice Guidelines for Variant Classification in Rare Disease 2020. Collection method: clinical testing. Allele origin: germline. Affected: yes. Observed: 1 variant allele.

NM_032444.4(SLX4):c.4691C>G (p.Pro1564Arg)

Gene: SLX4 (SLX4 structure-specific endonuclease subunit; minus strand). Cytogenetic location: 16p13.3.
Variant type: single nucleotide variant.
Coding change: c.4691C>G on transcript NM_032444.4 (MANE Select); coding-DNA position 4691, C replaced by G.
Protein change: p.Pro1564Arg; replaces proline 1564 with arginine.
Molecular consequence: missense variant.
Genome position (GRCh38, 1-based): chr16:3,584,817, G>C on the plus strand (C>G on the coding strand, the complement: SLX4 is on the minus strand). VCF-style: chr16-3584817-G-C. GRCh37 (hg19) VCF-style: chr16-3634818-G-C.
Other names: c.4691C>G (NM_032444.2); short protein forms P1564R.
Identifiers: ClinVar variation 1502358 (VCV001502358.10), dbSNP rs1478218856, ClinGen allele CA394516116.